The following is an entry in ClinVar:

ClinVar aggregate classification (germline): Uncertain significance (1 of 4 stars; one submission).

Conditions:
Epilepsy, progressive myoclonic, 1B. Also called: PME. Identifiers: Orphanet 308, MedGen C2676254, MONDO:0012904, OMIM 612437.

Allele frequency attached by ClinVar (database versions not stated): gnomAD exomes below 0.00001 and 0.00002; TOPMed below 0.00001; gnomAD 0.00001.
gnomAD v4.1: 31 of 1,612,556 alleles (0.0019%); highest among the groups gnomAD compares: Non-Finnish European, 0.0026%; no homozygotes.

Submission:

Labcorp Genetics (formerly Invitae), Labcorp
Classification: Uncertain significance for Epilepsy, progressive myoclonic, 1B. Last evaluated: 2023-12-12. Review status: criteria provided, single submitter. Criteria: Invitae Variant Classification Sherloc (09022015). Collection method: clinical testing. Allele origin: germline.
Comment: This sequence change replaces tyrosine, which is neutral and polar, with histidine, which is basic and polar, at codon 561 of the PRICKLE1 protein (p.Tyr561His). The frequency data for this variant in the population databases is considered unreliable, as metrics indicate poor data quality at this position in the gnomAD database. This variant has not been reported in the literature in individuals affected with PRICKLE1-related conditions. ClinVar contains an entry for this variant (Variation ID: 1054025). Advanced modeling of protein sequence and biophysical properties (such as structural, functional, and spatial information, amino acid conservation, physicochemical variation, residue mobility, and thermodynamic stability) performed at Invitae indicates that this missense variant is not expected to disrupt PRICKLE1 protein function with a negative predictive value of 80%. In summary, the available evidence is currently insufficient to determine the role of this variant in disease. Therefore, it has been classified as a Variant of Uncertain Significance.

NM_153026.3(PRICKLE1):c.1681T>C (p.Tyr561His)

Gene: PRICKLE1 (prickle planar cell polarity protein 1; minus strand). Cytogenetic location: 12q12.
Variant type: single nucleotide variant.
Coding change: c.1681T>C on transcript NM_153026.3 (MANE Select); coding-DNA position 1681, T replaced by C.
Protein change: p.Tyr561His; replaces tyrosine 561 with histidine.
Molecular consequence: missense variant.
Genome position (GRCh38, 1-based): chr12:42,460,624, A>G on the plus strand (T>C on the coding strand, the complement: PRICKLE1 is on the minus strand). VCF-style: chr12-42460624-A-G. GRCh37 (hg19) VCF-style: chr12-42854426-A-G.
Other names: c.1681T>C, p.Tyr561His (NM_001144881.2, NM_001144882.2, NM_001144883.2); short protein forms Y561H.
Identifiers: ClinVar variation 1054025 (VCV001054025.8), dbSNP rs1232951000, ClinGen allele CA384441140.